The following is an entry in ClinVar:

NM_001130144.3(LTBP3):c.427C>A (p.Pro143Thr)

Gene: LTBP3 (latent transforming growth factor beta binding protein 3; minus strand). Cytogenetic location: 11q13.1.
Variant type: single nucleotide variant.
Coding change: c.427C>A on transcript NM_001130144.3 (MANE Select); coding-DNA position 427, C replaced by A.
Protein change: p.Pro143Thr; replaces proline 143 with threonine.
Molecular consequence: missense variant.
Genome position (GRCh38, 1-based): chr11:65,554,285, G>T on the plus strand (C>A on the coding strand, the complement: LTBP3 is on the minus strand). VCF-style: chr11-65554285-G-T. GRCh37 (hg19) VCF-style: chr11-65321756-G-T.
Other names: c.76C>A, p.Pro26Thr (NM_001164266.1); c.427C>A, p.Pro143Thr (NM_021070.4); short protein forms P26T, P143T.
Identifiers: ClinVar variation 1739321 (VCV001739321.5), dbSNP rs1565101720, ClinGen allele CA381276632.

ClinVar aggregate classification (germline): Uncertain significance. Review status: criteria provided, multiple submitters, no conflicts (2 of 4 stars). 2 submissions from 2 submitters: Uncertain significance (2). Last evaluated 2025-06-01.

Conditions:
Inborn genetic diseases. Identifiers: MedGen C0950123, MeSH D030342.
Brachyolmia-amelogenesis imperfecta syndrome. Also called: Tooth agenesis, selective, 6; Dental anomalies and short stature; PLATYSPONDYLY WITH AMELOGENESIS IMPERFECTA. Identifiers: Orphanet 2899, MedGen C1832594, MONDO:0011018, OMIM 601216. Disease mechanism: loss of function.

Submissions (2):

Labcorp Genetics (formerly Invitae), Labcorp
Classification: Uncertain significance for Brachyolmia-amelogenesis imperfecta syndrome. Last evaluated: 2025-06-01. Review status: criteria provided, single submitter. Criteria: Invitae Variant Classification Sherloc (09022015). Collection method: clinical testing. Allele origin: germline.
Comment: This sequence change replaces proline, which is neutral and non-polar, with threonine, which is neutral and polar, at codon 143 of the LTBP3 protein (p.Pro143Thr). This variant is not present in population databases (gnomAD no frequency). This variant has not been reported in the literature in individuals affected with LTBP3-related conditions. ClinVar contains an entry for this variant (Variation ID: 1739321). An algorithm developed to predict the effect of missense changes on protein structure and function (PolyPhen-2) suggests that this variant is likely to be disruptive. In summary, the available evidence is currently insufficient to determine the role of this variant in disease. Therefore, it has been classified as a Variant of Uncertain Significance.

Ambry Genetics
Classification: Uncertain significance for Inborn genetic diseases. Last evaluated: 2021-11-02. Review status: criteria provided, single submitter. Criteria: Ambry Variant Classification Scheme 2023. Collection method: clinical testing. Allele origin: germline.
Comment: The p.P143T variant (also known as c.427C>A), located in coding exon 2 of the LTBP3 gene, results from a C to A substitution at nucleotide position 427. The proline at codon 143 is replaced by threonine, an amino acid with highly similar properties. This amino acid position is conserved. In addition, the in silico prediction for this alteration is inconclusive. Since supporting evidence is limited at this time, the clinical significance of this alteration remains unclear.